The following is an entry in ClinVar:

NM_001365902.3(NFIX):c.1204dup (p.Glu402fs)

Gene: NFIX (nuclear factor I X; plus strand). Cytogenetic location: 19p13.13.
Variant type: Duplication.
Coding change: c.1204dup on transcript NM_001365902.3 (MANE Select); coding-DNA position 1204, one base duplicated (G; older notation c.1204dupG).
Protein change: p.Glu402fs; shifts the reading frame from glutamic acid 402.
Molecular consequence: frameshift variant.
Genome position (GRCh38, 1-based): chr19:13,081,805, G duplicated; the last of 2 consecutive G bases (chr19:13,081,804-13,081,805); duplicating either gives the same sequence. VCF-style (leftmost placement, unchanged base first): chr19-13081803-A-AG. GRCh37 (hg19) VCF-style: chr19-13192617-A-AG.
Other names: c.1228dup, p.Glu410fs (NM_001271043.2); c.1180dup, p.Glu394fs (NM_001271044.3, NM_001378404.1); c.1081dup, p.Glu361fs (NM_001365982.2); c.1063dup, p.Glu355fs (NM_001365983.2); c.1201dup, p.Glu401fs (NM_001365984.2, NM_001365985.2); c.1252dup, p.Glu418fs (NM_001378405.1); c.1204dup, p.Glu402fs (NM_002501.4); c.1228dupG (NM_001271043.2); short protein forms E361fs, E418fs, E394fs, E401fs, E355fs, E402fs, E410fs.
Identifiers: ClinVar variation 817968 (VCV000817968.1), dbSNP rs1599862357, ClinGen allele CA915952493.

ClinVar aggregate classification (germline): Pathogenic (1 of 4 stars; one submission).

Submission:

GeneDx
Classification: Pathogenic. Last evaluated: 2019-01-22. Review status: criteria provided, single submitter. Criteria: GeneDx Variant Classification (06012015). Collection method: clinical testing. Allele origin: germline. Affected: yes.
Comment: The c.1228dupG variant in the NFIX gene has not been reported previously as a pathogenic variant nor as a benign variant, to our knowledge. The c.1228dupG variant causes a frameshift starting with codon Glutamic acid 410, changes this amino acid to a Glycine residue, and creates a premature Stop codon at position 21 of the new reading frame, denoted p.Glu410GlyfsX21. This variant is predicted to cause loss of normal protein function either through protein truncation or nonsense-mediated mRNA decay. The c.1228dupG variant is not observed in large population cohorts (Lek et al., 2016). We interpret c.1228dupG as a pathogenic variant.